The following is an entry in ClinVar:

ClinVar aggregate classification (germline): Likely benign. Review status: criteria provided, multiple submitters, no conflicts (2 of 4 stars). 2 submissions from 2 submitters: Likely benign (2). Last evaluated 2023-11-02.

Conditions:
Catecholaminergic polymorphic ventricular tachycardia 1. Also called: VENTRICULAR TACHYCARDIA, STRESS-INDUCED POLYMORPHIC 1; VENTRICULAR TACHYCARDIA, CATECHOLAMINERGIC POLYMORPHIC, 1, WITH OR WITHOUT ATRIAL DYSFUNCTION AND/OR DILATED CARDIOMYOPATHY; RYR2-Related Catecholaminergic Polymorphic Ventricular Tachycardia. Identifiers: Orphanet 3286, MedGen C1631597, MONDO:0011484, OMIM 604772.
Catecholaminergic polymorphic ventricular tachycardia (CVPT). Also called: Catecholamine-induced polymorphic ventricular tachycardia. Identifiers: Orphanet 3286, MedGen C5574922, MONDO:0017990.

Allele frequency attached by ClinVar (database versions not stated): gnomAD exomes below 0.00001.
gnomAD v4.1: 1 of 1,579,228 alleles (0.000063%); highest among the groups gnomAD compares: Non-Finnish European, 0.000086%; no homozygotes.

Submissions (2):

All of Us Research Program, National Institutes of Health
Classification: Likely benign for Catecholaminergic polymorphic ventricular tachycardia. Last evaluated: 2023-11-02. Review status: criteria provided, single submitter. Criteria: ACMG Guidelines, 2015. Collection method: clinical testing. Allele origin: germline. Inheritance: Autosomal dominant inheritance. Observed: 1 variant allele, 1 heterozygote.
Comment: This study involves interpretation of variants in research participants for the purpose of population health screening. Participant phenotype was not available at the time of variant classification. Additional details can be found in publication PMID: 35346344, PMCID: PMC8962531

Labcorp Genetics (formerly Invitae), Labcorp
Classification: Likely benign for Catecholaminergic polymorphic ventricular tachycardia 1. Last evaluated: 2023-08-24. Review status: criteria provided, single submitter. Criteria: Invitae Variant Classification Sherloc (09022015). Collection method: clinical testing. Allele origin: germline.

NM_001035.3(RYR2):c.10806C>T (p.Cys3602=)

Gene: RYR2 (ryanodine receptor 2; plus strand). Cytogenetic location: 1q43.
Variant type: single nucleotide variant.
Coding change: c.10806C>T on transcript NM_001035.3 (MANE Select); coding-DNA position 10806, C replaced by T.
Protein change: p.Cys3602=; no amino-acid change (cysteine 3602 retained).
Molecular consequence: synonymous variant.
Genome position (GRCh38, 1-based): chr1:237,727,167, C>T. VCF-style: chr1-237727167-C-T. GRCh37 (hg19) VCF-style: chr1-237890467-C-T.
Identifiers: ClinVar variation 2754927 (VCV002754927.4), dbSNP rs2527000140, ClinGen allele CA423820692.
Genomic context (GRCh38, chr1:237,727,167, plus strand): 5'-TAAAAAGGCTGTATGGCATAAACTACTGTCCAAGCAGAGGAAAAGGGCTGTTGTAGCCTG[C>T]TTCCGGATGGCCCCCTTATATAATCTGCCAAGGTCGGAATTACTTTATTTTTTGTAATAG-3'
Protein context (NP_001026.2, residues 3592-3612): SKQRKRAVVA[Cys3602=]FRMAPLYNLP